The following is an entry in ClinVar:

NM_000155.4(GALT):c.113A>C (p.Gln38Pro)

Genes: GALT (galactose-1-phosphate uridylyltransferase; plus strand), LOC130001683 (ATAC-STARR-seq lymphoblastoid active region 28314; plus strand). Cytogenetic location: 9p13.3.
Variant type: single nucleotide variant.
Coding change: c.113A>C on transcript NM_000155.4 (MANE Select); coding-DNA position 113, A replaced by C.
Protein change: p.Gln38Pro; replaces glutamine 38 with proline.
Molecular consequence: missense variant. On other transcripts: 5 prime UTR variant (1).
Genome position (GRCh38, 1-based): chr9:34,647,119, A>C. VCF-style: chr9-34647119-A-C. GRCh37 (hg19) VCF-style: chr9-34647116-A-C.
Other names: c.-90A>C (NM_001258332.2).
Identifiers: ClinVar variation 2136753 (VCV002136753.4), dbSNP rs111033646, ClinGen allele CA259325.

ClinVar aggregate classification (germline): Pathogenic (1 of 4 stars; one submission).

Conditions:
Deficiency of UDPglucose-hexose-1-phosphate uridylyltransferase. Also called: Transferase Deficiency Galactosemia; GALACTOSEMIA I; GALACTOSE-1-PHOSPHATE URIDYLYLTRANSFERASE DEFICIENCY; GALT deficiency; Galactosemia, classic. Identifiers: Orphanet 352, Orphanet 79239, MedGen C0268151, MONDO:0009258, OMIM 230400.

Submission:

Labcorp Genetics (formerly Invitae), Labcorp
Classification: Pathogenic for Deficiency of UDPglucose-hexose-1-phosphate uridylyltransferase. Last evaluated: 2022-03-16. Review status: criteria provided, single submitter. Criteria: Invitae Variant Classification Sherloc (09022015). Collection method: clinical testing. Allele origin: germline.
Comment: This sequence change replaces glutamine, which is neutral and polar, with proline, which is neutral and non-polar, at codon 38 of the GALT protein (p.Gln38Pro). This variant is not present in population databases (gnomAD no frequency). This missense change has been observed in individual(s) with galactosemia (PMID: 9222760, 25268296). Advanced modeling of protein sequence and biophysical properties (such as structural, functional, and spatial information, amino acid conservation, physicochemical variation, residue mobility, and thermodynamic stability) performed at Invitae indicates that this missense variant is expected to disrupt GALT protein function. For these reasons, this variant has been classified as Pathogenic.

Literature cited by the submitters: PubMed 9222760; PubMed 25268296.